The following is an entry in ClinVar:

NM_004360.5(CDH1):c.1274T>C (p.Val425Ala)

Gene: CDH1 (cadherin 1; plus strand). Cytogenetic location: 16q22.1.
Variant type: single nucleotide variant.
Coding change: c.1274T>C on transcript NM_004360.5 (MANE Select); coding-DNA position 1274, T replaced by C.
Protein change: p.Val425Ala; replaces valine 425 with alanine.
Molecular consequence: missense variant. On other transcripts: 5 prime UTR variant (2), intron variant (1).
Genome position (GRCh38, 1-based): chr16:68,813,449, T>C. VCF-style: chr16-68813449-T-C. GRCh37 (hg19) VCF-style: chr16-68847352-T-C.
Other names: c.-342T>C (NM_001317185.2); c.-546T>C (NM_001317186.2); c.1137+1186T>C (NM_001317184.2); short protein forms V425A.
Identifiers: ClinVar variation 2113394 (VCV002113394.4), dbSNP rs2152133583, ClinGen allele CA396461700.

ClinVar aggregate classification (germline): Uncertain significance (1 of 4 stars; one submission).

Conditions:
Hereditary diffuse gastric adenocarcinoma (HDGC). Also called: DIFFUSE GASTRIC AND LOBULAR BREAST CANCER SYNDROME. Identifiers: Orphanet 26106, MedGen C1708349, MONDO:0007648, OMIM 137215.

Submission:

Labcorp Genetics (formerly Invitae), Labcorp
Classification: Uncertain significance for Hereditary diffuse gastric adenocarcinoma. Last evaluated: 2024-10-24. Review status: criteria provided, single submitter. Criteria: Invitae Variant Classification Sherloc (09022015). Collection method: clinical testing. Allele origin: germline.
Comment: This sequence change replaces valine, which is neutral and non-polar, with alanine, which is neutral and non-polar, at codon 425 of the CDH1 protein (p.Val425Ala). This variant is not present in population databases (gnomAD no frequency). This variant has not been reported in the literature in individuals affected with CDH1-related conditions. ClinVar contains an entry for this variant (Variation ID: 2113394). An algorithm developed to predict the effect of missense changes on protein structure and function (PolyPhen-2) suggests that this variant is likely to be disruptive. In summary, the available evidence is currently insufficient to determine the role of this variant in disease. Therefore, it has been classified as a Variant of Uncertain Significance.